The following is an entry in ClinVar:

ClinVar aggregate classification (germline): Uncertain significance. Review status: criteria provided, multiple submitters, no conflicts (2 of 4 stars). 2 submissions from 2 submitters: Uncertain significance (2). Last evaluated 2025-08-22.

Conditions:
Hereditary cancer-predisposing syndrome. Also called: Hereditary neoplastic syndrome; Neoplastic Syndromes, Hereditary; Tumor predisposition; Hereditary Cancer Syndrome. Identifiers: Orphanet 140162, MedGen C0027672, MeSH D009386, MONDO:0015356.

Allele frequency attached by ClinVar (database versions not stated): gnomAD exomes below 0.00001.
gnomAD v4.1: 1 of 1,613,876 alleles (0.000062%); highest among the groups gnomAD compares: African/African-American, 0.0013%; no homozygotes.

Submissions (2):

Ambry Genetics
Classification: Uncertain significance for Hereditary cancer-predisposing syndrome. Last evaluated: 2025-08-22. Review status: criteria provided, single submitter. Criteria: Ambry Variant Classification Scheme 2023. Collection method: clinical testing. Allele origin: germline.
Comment: The p.P164S variant (also known as c.490C>T), located in coding exon 3 of the MSH3 gene, results from a C to T substitution at nucleotide position 490. The proline at codon 164 is replaced by serine, an amino acid with similar properties. This amino acid position is conserved. In addition, this alteration is predicted to be tolerated by in silico analysis. Since supporting evidence is limited at this time, the clinical significance of this alteration remains unclear.

Labcorp Genetics (formerly Invitae), Labcorp
Classification: Uncertain significance. Last evaluated: 2025-07-23. Review status: criteria provided, single submitter. Criteria: Invitae Variant Classification Sherloc (09022015). Collection method: clinical testing. Allele origin: germline.
Comment: This sequence change replaces proline, which is neutral and non-polar, with serine, which is neutral and polar, at codon 164 of the MSH3 protein (p.Pro164Ser). This variant is not present in population databases (gnomAD no frequency). This variant has not been reported in the literature in individuals affected with MSH3-related conditions. ClinVar contains an entry for this variant (Variation ID: 939774). An algorithm developed to predict the effect of missense changes on protein structure and function (PolyPhen-2) suggests that this variant is likely to be tolerated. In summary, the available evidence is currently insufficient to determine the role of this variant in disease. Therefore, it has been classified as a Variant of Uncertain Significance.

NM_002439.5(MSH3):c.490C>T (p.Pro164Ser)

Gene: MSH3 (mutS homolog 3; plus strand). Cytogenetic location: 5q14.1.
Variant type: single nucleotide variant.
Coding change: c.490C>T on transcript NM_002439.5 (MANE Select); coding-DNA position 490, C replaced by T.
Protein change: p.Pro164Ser; replaces proline 164 with serine.
Molecular consequence: missense variant.
Genome position (GRCh38, 1-based): chr5:80,665,274, C>T. VCF-style: chr5-80665274-C-T. GRCh37 (hg19) VCF-style: chr5-79961093-C-T.
Other names: c.490C>T (NM_002439.3); short protein forms P164S.
Identifiers: ClinVar variation 939774 (VCV000939774.12), dbSNP rs1749544006, ClinGen allele CA360263811.